The following is an entry in ClinVar:

ClinVar aggregate classification (germline): Conflicting classifications of pathogenicity. Review status: criteria provided, conflicting classifications (1 of 4 stars). 2 submissions from 2 submitters: Likely pathogenic (1); Uncertain significance (1). Last evaluated 2025-06-09.

Conditions:
SLC4A1-related disorder. Also called: SLC4A1-related disorders; SLC4A1-related condition.

Submissions (2):

Labcorp Genetics (formerly Invitae), Labcorp
Classification: Uncertain significance. Last evaluated: 2025-06-09. Review status: criteria provided, single submitter. Criteria: Invitae Variant Classification Sherloc (09022015). Collection method: clinical testing. Allele origin: germline.
Comment: This sequence change replaces glutamic acid, which is acidic and polar, with lysine, which is basic and polar, at codon 882 of the SLC4A1 protein (p.Glu882Lys). This variant is not present in population databases (gnomAD no frequency). This variant has not been reported in the literature in individuals affected with SLC4A1-related conditions. Invitae Evidence Modeling of protein sequence and biophysical properties (such as structural, functional, and spatial information, amino acid conservation, physicochemical variation, residue mobility, and thermodynamic stability) indicates that this missense variant is expected to disrupt SLC4A1 protein function with a positive predictive value of 80%. In summary, the available evidence is currently insufficient to determine the role of this variant in disease. Therefore, it has been classified as a Variant of Uncertain Significance.

Blueprint Genetics
Classification: Likely pathogenic for SLC4A1-related disorders. Last evaluated: 2021-03-10. Review status: criteria provided, single submitter. Criteria: ACMG Guidelines, 2015. Collection method: clinical testing. Allele origin: germline. Affected: yes. Observed: 1 variant allele.

NM_000342.4(SLC4A1):c.2644G>A (p.Glu882Lys)

Gene: SLC4A1 (solute carrier family 4 member 1 (Diego blood group); minus strand). Cytogenetic location: 17q21.31.
Variant type: single nucleotide variant.
Coding change: c.2644G>A on transcript NM_000342.4 (MANE Select); coding-DNA position 2644, G replaced by A.
Protein change: p.Glu882Lys; replaces glutamic acid 882 with lysine.
Molecular consequence: missense variant.
Genome position (GRCh38, 1-based): chr17:44,251,170, C>T on the plus strand (G>A on the coding strand, the complement: SLC4A1 is on the minus strand). VCF-style: chr17-44251170-C-T. GRCh37 (hg19) VCF-style: chr17-42328538-C-T.
Other names: short protein forms E882K.
Identifiers: ClinVar variation 4741279 (VCV004741279.2).
Genomic context (GRCh38, chr17:44,251,170, plus strand): 5'-CCCTCGCATGCTCCCAGCTCTTGTGCCCCAGGCCCAGGCAGCCACTCACACACTGAAGCT[C>T]CACGTTCCTGAAGATGAGCGGCAGCAGGACGCGCCGCAGCGGCACAGTGAGGATGAGGAC-3'
Protein context (NP_000333.1, residues 872-892): VLLPLIFRNV[Glu882Lys]LQCLDADDAK